The following is an entry in ClinVar:

NM_004958.4(MTOR):c.1444G>A (p.Val482Ile)

Gene: MTOR (mechanistic target of rapamycin kinase; minus strand). Cytogenetic location: 1p36.22.
Variant type: single nucleotide variant.
Coding change: c.1444G>A on transcript NM_004958.4 (MANE Select); coding-DNA position 1444, G replaced by A.
Protein change: p.Val482Ile; replaces valine 482 with isoleucine.
Molecular consequence: missense variant.
Genome position (GRCh38, 1-based): chr1:11,241,650, C>T on the plus strand (G>A on the coding strand, the complement: MTOR is on the minus strand). VCF-style: chr1-11241650-C-T. GRCh37 (hg19) VCF-style: chr1-11301707-C-T.
Other names: c.1444G>A, p.Val482Ile (NM_001386500.1); c.196G>A, p.Val66Ile (NM_001386501.1); short protein forms V66I, V482I.
Identifiers: ClinVar variation 2795624 (VCV002795624.3), dbSNP rs2100915259, ClinGen allele CA338395246.

ClinVar aggregate classification (germline): Uncertain significance (1 of 4 stars; one submission).

Submission:

Labcorp Genetics (formerly Invitae), Labcorp
Classification: Uncertain significance. Last evaluated: 2023-09-29. Review status: criteria provided, single submitter. Criteria: Invitae Variant Classification Sherloc (09022015). Collection method: clinical testing. Allele origin: germline.
Comment: This sequence change replaces valine, which is neutral and non-polar, with isoleucine, which is neutral and non-polar, at codon 482 of the MTOR protein (p.Val482Ile). This variant is not present in population databases (gnomAD no frequency). This variant has not been reported in the literature in individuals affected with MTOR-related conditions. Advanced modeling of protein sequence and biophysical properties (such as structural, functional, and spatial information, amino acid conservation, physicochemical variation, residue mobility, and thermodynamic stability) performed at Invitae indicates that this missense variant is not expected to disrupt MTOR protein function. In summary, the available evidence is currently insufficient to determine the role of this variant in disease. Therefore, it has been classified as a Variant of Uncertain Significance.